The following is an entry in ClinVar:

NM_001754.5(RUNX1):c.899C>G (p.Thr300Arg)

Gene: RUNX1 (RUNX family transcription factor 1; minus strand). Cytogenetic location: 21q22.12.
Variant type: single nucleotide variant.
Coding change: c.899C>G on transcript NM_001754.5 (MANE Select); coding-DNA position 899, C replaced by G.
Protein change: p.Thr300Arg; replaces threonine 300 with arginine.
Molecular consequence: missense variant.
Genome position (GRCh38, 1-based): chr21:34,799,369, G>C on the plus strand (C>G on the coding strand, the complement: RUNX1 is on the minus strand). VCF-style: chr21-34799369-G-C. GRCh37 (hg19) VCF-style: chr21-36171666-G-C.
Other names: NM_001754.5(RUNX1):c.899C>G; p.Thr300Arg; c.818C>G, p.Thr273Arg (NM_001001890.3); c.899C>G (NM_001754.4); short protein forms T300R, T273R.
Identifiers: ClinVar variation 1507948 (VCV001507948.10), dbSNP rs758682659, ClinGen allele CA410149697.

ClinVar aggregate classification (germline): Uncertain significance. Review status: reviewed by expert panel (3 of 4 stars). 3 submissions from 3 submitters: Uncertain significance (1). 2 of the submissions do not count toward it. Last evaluated 2024-09-12.

Conditions:
Hereditary thrombocytopenia and hematologic cancer predisposition syndrome. Identifiers: Orphanet 71290, MedGen CN281654, MONDO:0011071.
Inborn genetic diseases. Identifiers: MedGen C0950123, MeSH D030342.
Hereditary thrombocytopenia and hematological cancer predisposition syndrome associated with RUNX1. Also called: RUNX1 Familial Platelet Disorder with Associated Myeloid Malignancies; Familial Platelet Disorder with Propensity to Acute Myelogenous Leukemia; Familial thrombocytopenia with propensity to acute myelogenous leukemia; PLATELET DISORDER, ASPIRIN-LIKE. Identifiers: Orphanet 71290, MedGen C1832388, MeSH C563324, MONDO:0100083, OMIM 601399.

gnomAD v4.1: 2 of 1,614,234 alleles (0.00012%); highest among the groups gnomAD compares: Non-Finnish European, 0.000085%; no homozygotes.

Submissions (3):

ClinGen Myeloid Malignancy Variant Curation Expert Panel
Classification: Uncertain significance for Hereditary thrombocytopenia and hematologic cancer predisposition syndrome. Last evaluated: 2024-09-12. Review status: reviewed by expert panel. Criteria: ClinGen MyeloMalig ACMG Specifications v2. Collection method: curation. Allele origin: germline. Inheritance: Autosomal dominant inheritance.
Comment: NM_001754.5(RUNX1):c.899C>G (p.Thr300Arg) is a missense variant which does not meet any ACMG/AMP criteria. In summary, the clinical significance of this variant is uncertain. ACMG/AMP criteria applied, as specified by the Myeloid Malignancy Variant Curation Expert Panel for RUNX1: None.

Ambry Genetics
Classification: Uncertain significance for Inborn genetic diseases. Last evaluated: 2025-12-27. Review status: criteria provided, single submitter. Criteria: Ambry Variant Classification Scheme 2023. Collection method: clinical testing. Allele origin: germline. Not counted in ClinVar's aggregate classification.
Comment: The p.T300R variant (also known as c.899C>G), located in coding exon 7 of the RUNX1 gene, results from a C to G substitution at nucleotide position 899. The threonine at codon 300 is replaced by arginine, an amino acid with similar properties. This amino acid position is conserved. In addition, the in silico prediction for this alteration is inconclusive. Based on the available evidence, the clinical significance of this variant remains unclear.

Labcorp Genetics (formerly Invitae), Labcorp
Classification: Uncertain significance for Hereditary thrombocytopenia and hematological cancer predisposition syndrome associated with RUNX1. Last evaluated: 2021-04-12. Review status: criteria provided, single submitter. Criteria: Invitae Variant Classification Sherloc (09022015). Collection method: clinical testing. Allele origin: germline. Not counted in ClinVar's aggregate classification.
Comment: In summary, the available evidence is currently insufficient to determine the role of this variant in disease. Therefore, it has been classified as a Variant of Uncertain Significance. Algorithms developed to predict the effect of missense changes on protein structure and function are either unavailable or do not agree on the potential impact of this missense change (SIFT: "Tolerated"; PolyPhen-2: "Possibly Damaging"; Align-GVGD: "Class C0"). This variant has not been reported in the literature in individuals with RUNX1-related conditions. This variant is not present in population databases (ExAC no frequency). This sequence change replaces threonine with arginine at codon 300 of the RUNX1 protein (p.Thr300Arg). The threonine residue is moderately conserved and there is a moderate physicochemical difference between threonine and arginine.